The following is an entry in ClinVar:

ClinVar aggregate classification (germline): Uncertain significance (1 of 4 stars; one submission).

Conditions:
Generalized epilepsy with febrile seizures plus, type 7 (GEFSP7). Also called: GEFS+, TYPE 7. Identifiers: Orphanet 36387, MedGen C2751778, MONDO:0013470, OMIM 613863.
Neuropathy, hereditary sensory and autonomic, type 2A (HSAN2A). Also called: MORVAN DISEASE; NEUROPATHY, CONGENITAL SENSORY; NEUROPATHY, HEREDITARY SENSORY RADICULAR, AUTOSOMAL RECESSIVE; NEUROPATHY, HEREDITARY SENSORY, TYPE IIA; NEUROPATHY, PROGRESSIVE SENSORY, OF CHILDREN; ACROOSTEOLYSIS, GIACCAI TYPE. Identifiers: Orphanet 970, MedGen C2752089, MONDO:0024309, OMIM 201300.

Allele frequency attached by ClinVar (database versions not stated): TOPMed below 0.00001; gnomAD 0.00001.
gnomAD v4.1: 1 of 1,576,674 alleles (0.000063%); highest among the groups gnomAD compares: Admixed American, 0.0019%; no homozygotes.

Submission:

Labcorp Genetics (formerly Invitae), Labcorp
Classification: Uncertain significance for Neuropathy, hereditary sensory and autonomic, type 2A; Generalized epilepsy with febrile seizures plus, type 7. Last evaluated: 2022-04-18. Review status: criteria provided, single submitter. Criteria: Invitae Variant Classification Sherloc (09022015). Collection method: clinical testing. Allele origin: germline.
Comment: In summary, the available evidence is currently insufficient to determine the role of this variant in disease. Therefore, it has been classified as a Variant of Uncertain Significance. Algorithms developed to predict the effect of missense changes on protein structure and function (SIFT, PolyPhen-2, Align-GVGD) all suggest that this variant is likely to be disruptive. ClinVar contains an entry for this variant (Variation ID: 966439). This variant has not been reported in the literature in individuals affected with SCN9A-related conditions. This variant is present in population databases (no rsID available, gnomAD 0.1%). This sequence change replaces leucine, which is neutral and non-polar, with serine, which is neutral and polar, at codon 1284 of the SCN9A protein (p.Leu1284Ser).

NM_001365536.1(SCN9A):c.3884T>C (p.Leu1295Ser)

Genes: SCN1A-AS1 (SCN1A and SCN9A antisense RNA 1; plus strand), SCN9A (sodium voltage-gated channel alpha subunit 9; minus strand). Cytogenetic location: 2q24.3.
Variant type: single nucleotide variant.
Coding change: c.3884T>C on transcript NM_001365536.1 (MANE Select); coding-DNA position 3884, T replaced by C.
Protein change: p.Leu1295Ser; replaces leucine 1295 with serine.
Molecular consequence: missense variant.
Genome position (GRCh38, 1-based): chr2:166,233,380, A>G on the plus strand (T>C on the coding strand, the complement: SCN9A is on the minus strand). VCF-style: chr2-166233380-A-G. GRCh37 (hg19) VCF-style: chr2-167089890-A-G.
Other names: c.3851T>C, p.Leu1284Ser (NM_002977.4); short protein forms L1284S, L1295S.
Identifiers: ClinVar variation 966439 (VCV000966439.10), dbSNP rs1295607627, ClinGen allele CA349066421.